The following is an entry in ClinVar:

ClinVar aggregate classification (germline): Uncertain significance (1 of 4 stars; one submission).

Conditions:
Malignant hyperthermia, susceptibility to, 1 (MHS1). Also called: RYR1-Related Malignant Hyperthermia Susceptibility; Anesthesia related hyperthermia; Malignant hyperpyrexia; Fulminating hyperpyrexia; Pharmacogenic myopathy; Malignant hyperthermia suceptibility 1. Identifiers: Orphanet 423, MedGen C2930980, MONDO:0007783, OMIM 145600.

Allele frequency attached by ClinVar (database versions not stated): ExAC 0.00001; gnomAD exomes 0.00001.
gnomAD v4.1: 10 of 1,613,996 alleles (0.00062%); highest among the groups gnomAD compares: Non-Finnish European, 0.00076%; no homozygotes.

Submission:

All of Us Research Program, National Institutes of Health
Classification: Uncertain significance for Malignant hyperthermia, susceptibility to, 1. Last evaluated: 2023-04-03. Review status: criteria provided, single submitter. Criteria: ACMG Guidelines, 2015. Collection method: clinical testing. Allele origin: germline. Inheritance: Autosomal dominant inheritance. Observed: 1 variant allele, 1 heterozygote.
Comment: This missense variant replaces tyrosine with histidine at codon 1254 of the RYR1 protein. Computational prediction is inconclusive regarding the impact of this variant on protein structure and function (internally defined REVEL score threshold 0.5 < inconclusive < 0.7, PMID: 27666373). To our knowledge, functional studies have not been reported for this variant. This variant has not been reported in individuals affected with RYR1-related disorders in the literature. This variant has been identified in 1/249760 chromosomes in the general population by the Genome Aggregation Database (gnomAD). The available evidence is insufficient to determine the role of this variant in disease conclusively. Therefore, this variant is classified as a Variant of Uncertain Significance.

This study involves interpretation of variants in research participants for the purpose of population health screening. Participant phenotype was not available at the time of variant classification. Additional details can be found in publication PMID: 35346344, PMCID: PMC8962531

NM_000540.3(RYR1):c.3760T>C (p.Tyr1254His)

Gene: RYR1 (ryanodine receptor 1; plus strand). Cytogenetic location: 19q13.2.
Variant type: single nucleotide variant.
Coding change: c.3760T>C on transcript NM_000540.3 (MANE Select); coding-DNA position 3760, T replaced by C.
Protein change: p.Tyr1254His; replaces tyrosine 1254 with histidine.
Molecular consequence: missense variant.
Genome position (GRCh38, 1-based): chr19:38,469,508, T>C. VCF-style: chr19-38469508-T-C. GRCh37 (hg19) VCF-style: chr19-38960148-T-C.
Other names: c.3760T>C, p.Tyr1254His (NM_001042723.2); short protein forms Y1254H.
Identifiers: ClinVar variation 3070291 (VCV003070291.1), dbSNP rs771944773, ClinGen allele CA065120.